The following is an entry in ClinVar:

NM_000218.3(KCNQ1):c.506C>G (p.Thr169Arg)

Gene: KCNQ1 (potassium voltage-gated channel subfamily Q member 1; plus strand). Cytogenetic location: 11p15.5.
Variant type: single nucleotide variant.
Coding change: c.506C>G on transcript NM_000218.3 (MANE Select); coding-DNA position 506, C replaced by G.
Protein change: p.Thr169Arg; replaces threonine 169 with arginine.
Molecular consequence: missense variant.
Genome position (GRCh38, 1-based): chr11:2,570,656, C>G. VCF-style: chr11-2570656-C-G. GRCh37 (hg19) VCF-style: chr11-2591886-C-G.
Other names: c.506C>G (LRG_287t1); c.506C>G, p.Thr169Arg (NM_001406836.1); c.236C>G, p.Thr79Arg (NM_001406837.1); c.125C>G, p.Thr42Arg (NM_181798.2); short protein forms T169R, T42R, T79R.
Identifiers: ClinVar variation 53055 (VCV000053055.4), dbSNP rs199472693, ClinGen allele CA007290.

ClinVar aggregate classification (germline): Likely pathogenic. Review status: criteria provided, single submitter (1 of 4 stars). 2 submissions from 2 submitters: Likely pathogenic (1). 1 of the submissions does not count toward it. Last evaluated 2023-08-01.

Conditions:
Familial long QT syndrome (RWS). Also called: Congenital long QT syndrome; Romano-Ward syndrome; VENTRICULAR FIBRILLATION WITH PROLONGED QT INTERVAL. Identifiers: Orphanet 768, MedGen C1141890, MONDO:0019171.
Long QT syndrome 1 (LQT1). Identifiers: Orphanet 101016, Orphanet 768, MedGen C4551647, MONDO:0100316, OMIM 192500, MONDO:0008646.

Submissions (2):

Molecular Genetics Laboratory - Cardiogenetics, CHU de Nantes
Classification: Likely pathogenic for Long QT syndrome 1. Last evaluated: 2023-08-01. Review status: criteria provided, single submitter. Criteria: ACMG Guidelines, 2015. Collection method: clinical testing. Allele origin: germline. Affected: yes.

Cardiovascular Biomedical Research Unit, Royal Brompton & Harefield NHS Foundation Trust
No classification provided. Condition: Familial long QT syndrome. Review status: no classification provided. Collection method: literature only. Allele origin: germline. Not counted in ClinVar's aggregate classification.
Comment: This variant has been reported as associated with Long QT syndrome in the following publications (PMID:19862833). This is a literature report, and does not necessarily reflect the clinical interpretation of the Imperial College / Royal Brompton Cardiovascular Genetics laboratory.

Literature cited by the submitters: PubMed 19862833 (cited by Cardiovascular Biomedical Research Unit, Royal Brompton & Harefield NHS Foundation Trust); PubMed 22581653 (cited by Cardiovascular Biomedical Research Unit, Royal Brompton & Harefield NHS Foundation Trust).